The following is an entry in ClinVar:

ClinVar aggregate classification (germline): Likely benign (1 of 4 stars; one submission).

gnomAD v4.1: 17 of 1,550,832 alleles (0.0011%); highest among the groups gnomAD compares: South Asian, 0.011%; no homozygotes.

Submission:

CeGaT Center for Human Genetics Tuebingen
Classification: Likely benign. Last evaluated: 2025-03-01. Review status: criteria provided, single submitter. Criteria: CeGaT Center For Human Genetics Tuebingen Variant Classification Criteria Version 2. Collection method: clinical testing. Allele origin: germline. Affected: yes. Observed: 1 variant allele.
Comment: AOPEP: BP4, BP7

NM_001193329.3(AOPEP):c.1632A>G (p.Gln544=)

Genes: AOPEP (aminopeptidase O (putative); plus strand), AOPEP-AS1 (AOPEP antisense RNA 1; minus strand). Cytogenetic location: 9q22.32.
Variant type: single nucleotide variant.
Coding change: c.1632A>G on transcript NM_001193329.3 (MANE Select); coding-DNA position 1632, A replaced by G.
Protein change: p.Gln544=; no amino-acid change (glutamine 544 retained).
Molecular consequence: synonymous variant. On other transcripts: non-coding transcript variant (3), intron variant (4).
Genome position (GRCh38, 1-based): chr9:94,928,502, A>G. VCF-style: chr9-94928502-A-G. GRCh37 (hg19) VCF-style: chr9-97690784-A-G.
Other names: c.1632A>G, p.Gln544= (NM_001193331.3, NM_001386063.2, NM_001386066.1 and 7 more transcripts); c.1311A>G, p.Gln437= (NM_001386062.2); c.762A>G, p.Gln254= (NM_001386073.1); c.1365-26675A>G (NM_032823.6, NM_001386069.1); c.1365-50865A>G (NM_001386067.1); c.372-26675A>G (NM_001386061.1).
Identifiers: ClinVar variation 3778247 (VCV003778247.7).
Genomic context (GRCh38, chr9:94,928,502, plus strand): 5'-CCGGGAGCAGCAGGAGCTGAGGGCTTGTCTGCGCTGGCGTCGCCTCCAGGACGAGATGCA[A>G]TGCTCCCCCGAGGAGATGCAGGTGTTAAGGTAAAGCTGCATGGTGATCCACAGCCCTCTC-3'
Protein context (NP_001180258.1, residues 534-554): LRWRRLQDEM[Gln544=]CSPEEMQVLR